The following is an entry in ClinVar:

NM_003738.5(PTCH2):c.1979C>A (p.Ser660Tyr)

Gene: PTCH2 (patched 2; minus strand). Cytogenetic location: 1p34.1.
Variant type: single nucleotide variant.
Coding change: c.1979C>A on transcript NM_003738.5 (MANE Select); coding-DNA position 1979, C replaced by A.
Protein change: p.Ser660Tyr; replaces serine 660 with tyrosine.
Molecular consequence: missense variant.
Genome position (GRCh38, 1-based): chr1:44,827,922, G>T on the plus strand (C>A on the coding strand, the complement: PTCH2 is on the minus strand). VCF-style: chr1-44827922-G-T. GRCh37 (hg19) VCF-style: chr1-45293594-G-T.
Other names: c.1979C>A, p.Ser660Tyr (NM_001166292.2); short protein forms S660Y.
Identifiers: ClinVar variation 1040898 (VCV001040898.8), dbSNP rs376282577, ClinGen allele CA823139.

ClinVar aggregate classification (germline): Uncertain significance. Review status: criteria provided, multiple submitters, no conflicts (2 of 4 stars). 2 submissions from 2 submitters: Uncertain significance (2). Last evaluated 2026-01-20.

Conditions:
Medulloblastoma (MDB). Also called: MEDULLOBLASTOMA PREDISPOSITION SYNDROME; Medulloblastoma, somatic. Identifiers: Orphanet 616, MedGen C0025149, MeSH D008527, MONDO:0007959, OMIM 155255, HP:0002885.
Basal cell carcinoma, susceptibility to, 1. Also called: BCC1. Identifiers: MedGen C2751544, MONDO:0011556, OMIM 605462.
Gorlin syndrome. Also called: Nevoid Basal Cell Carcinoma Syndrome; Basal cell nevus syndrome. Identifiers: Orphanet 377, MedGen C0004779, MONDO:0007187.

Allele frequency attached by ClinVar (database versions not stated): gnomAD exomes 0.00001 and 0.00002; ExAC 0.00002; TOPMed 0.00002.

Submissions (2):

Labcorp Genetics (formerly Invitae), Labcorp
Classification: Uncertain significance for Gorlin syndrome. Last evaluated: 2026-01-20. Review status: criteria provided, single submitter. Criteria: Invitae Variant Classification Sherloc (09022015). Collection method: clinical testing. Allele origin: germline.
Comment: This sequence change replaces serine, which is neutral and polar, with tyrosine, which is neutral and polar, at codon 660 of the PTCH2 protein (p.Ser660Tyr). This variant is present in population databases (rs376282577, gnomAD 0.01%). This variant has not been reported in the literature in individuals affected with PTCH2-related conditions. ClinVar contains an entry for this variant (Variation ID: 1040898). Invitae Evidence Modeling of protein sequence and biophysical properties (such as structural, functional, and spatial information, amino acid conservation, physicochemical variation, residue mobility, and thermodynamic stability) indicates that this missense variant is not expected to disrupt PTCH2 protein function with a negative predictive value of 80%. In summary, the available evidence is currently insufficient to determine the role of this variant in disease. Therefore, it has been classified as a Variant of Uncertain Significance.

Fulgent Genetics
Classification: Uncertain significance for Medulloblastoma; Basal cell carcinoma, susceptibility to, 1. Last evaluated: 2024-02-08. Review status: criteria provided, single submitter. Criteria: ACMG Guidelines, 2015. Collection method: clinical testing. Allele origin: germline.